The following is an entry in ClinVar:

ClinVar aggregate classification (germline): Uncertain significance (1 of 4 stars; one submission).

Submission:

Ambry Genetics
Classification: Uncertain significance. Last evaluated: 2024-10-24. Review status: criteria provided, single submitter. Criteria: Ambry Variant Classification Scheme 2023. Collection method: clinical testing. Allele origin: germline.
Comment: The p.A251V variant (also known as c.752C>T), located in coding exon 4 of the GALNT12 gene, results from a C to T substitution at nucleotide position 752. The alanine at codon 251 is replaced by valine, an amino acid with similar properties. This amino acid position is conserved. In addition, the in silico prediction for this alteration is inconclusive. Based on the available evidence, the clinical significance of this variant remains unclear.

NM_024642.5(GALNT12):c.752C>T (p.Ala251Val)

Gene: GALNT12 (polypeptide N-acetylgalactosaminyltransferase 12; plus strand). Cytogenetic location: 9q22.33.
Variant type: single nucleotide variant.
Coding change: c.752C>T on transcript NM_024642.5 (MANE Select); coding-DNA position 752, C replaced by T.
Protein change: p.Ala251Val; replaces alanine 251 with valine.
Molecular consequence: missense variant.
Genome position (GRCh38, 1-based): chr9:98,831,792, C>T. VCF-style: chr9-98831792-C-T. GRCh37 (hg19) VCF-style: chr9-101594074-C-T.
Other names: short protein forms A251V.
Identifiers: ClinVar variation 3518511 (VCV003518511.1).